The following is an entry in ClinVar:

ClinVar aggregate classification (germline): Pathogenic (1 of 4 stars; one submission).

Conditions:
Rare anaemia.

Submission:

North West Genomic Laboratory Hub, Manchester University NHS Foundation Trust
Classification: Pathogenic for Rare anaemia. Last evaluated: 2026-02-19. Review status: criteria provided, single submitter. Criteria: ACGS Best Practice Guidelines for Variant Classification in Rare Disease 2024. Collection method: clinical testing. Allele origin: germline. Affected: yes.
Comment: PM2_Mod PVS1_VStr

NM_000037.4(ANK1):c.3425_3429del (p.His1142fs)

Gene: ANK1 (ankyrin 1; minus strand). Cytogenetic location: 8p11.21.
Variant type: Deletion.
Coding change: c.3425_3429del on transcript NM_000037.4 (MANE Select); coding-DNA positions 3425 to 3429, 5 bases deleted (ACCGC; older notation c.3425_3429delACCGC).
Protein change: p.His1142fs; shifts the reading frame from histidine 1142.
Molecular consequence: frameshift variant.
Genome position (GRCh38, 1-based): chr8:41,694,001-41,694,005, GCGGT deleted on the plus strand (ACCGC on the coding strand, the reverse complement: ANK1 is on the minus strand); deleting any 5 consecutive bases within chr8:41,694,001-41,694,006 gives the same sequence; the c. name uses the placement nearest the transcript's 3' end. VCF-style (leftmost placement, unchanged base first): chr8-41694000-GGCGGT-G. GRCh37 (hg19) VCF-style: chr8-41551518-GGCGGT-G.
Other names: c.3548_3552del, p.His1183fs (NM_001142446.2); c.3425_3429del, p.His1142fs (NM_020475.3, NM_020476.3, NM_020477.3); short protein forms H1142fs, H1183fs.
Identifiers: ClinVar variation 4884308 (VCV004884308.1).